The following is an entry in ClinVar:

NM_001112726.3(CEP170B):c.3405A>G (p.Ser1135=)

Gene: CEP170B (centrosomal protein 170B; plus strand). Cytogenetic location: 14q32.33.
Variant type: single nucleotide variant.
Coding change: c.3405A>G on transcript NM_001112726.3 (MANE Select); coding-DNA position 3405, A replaced by G.
Protein change: p.Ser1135=; no amino-acid change (serine 1135 retained).
Molecular consequence: synonymous variant.
Genome position (GRCh38, 1-based): chr14:104,887,644, A>G. VCF-style: chr14-104887644-A-G. GRCh37 (hg19) VCF-style: chr14-105353981-A-G.
Other names: c.3195A>G, p.Ser1065= (NM_015005.3).
Identifiers: ClinVar variation 3039936 (VCV003039936.2), dbSNP rs2841240, ClinGen allele CA7376135.

ClinVar aggregate classification (germline): Likely benign (0 of 4 stars; one submission).

Conditions:
CEP170B-related disorder. Also called: CEP170B-related condition.

Allele frequency attached by ClinVar (database versions not stated): gnomAD exomes 0.00019; ExAC 0.00088; ESP Exome Variant Server 0.00119; gnomAD 0.00198; TOPMed 0.00233; 1000 Genomes Project 30x 0.00390; 1000 Genomes Project 0.00399.

Submission:

PreventionGenetics, part of Exact Sciences
Classification: Likely benign for CEP170B-related condition. Last evaluated: 2019-10-28. Review status: no assertion criteria provided. Collection method: clinical testing. Allele origin: germline.
Comment: This variant is classified as likely benign based on ACMG/AMP sequence variant interpretation guidelines (Richards et al. 2015 PMID: 25741868, with internal and published modifications).